The following is an entry in ClinVar:

ClinVar aggregate classification (germline): Uncertain significance (1 of 4 stars; one submission).

Submission:

GeneDx
Classification: Uncertain significance. Last evaluated: 2025-08-01. Review status: criteria provided, single submitter. Criteria: GeneDx Variant Classification Process June 2021. Collection method: clinical testing. Allele origin: germline. Affected: yes.
Comment: Not observed at significant frequency in large population cohorts (gnomAD); In silico analysis suggests that this missense variant does not alter protein structure/function; Has not been previously published as pathogenic or benign to our knowledge

NM_013275.6(ANKRD11):c.4165T>C (p.Ser1389Pro)

Gene: ANKRD11 (ankyrin repeat domain 11; minus strand). Cytogenetic location: 16q24.3.
Variant type: single nucleotide variant.
Coding change: c.4165T>C on transcript NM_013275.6 (MANE Select); coding-DNA position 4165, T replaced by C.
Protein change: p.Ser1389Pro; replaces serine 1389 with proline.
Molecular consequence: missense variant.
Genome position (GRCh38, 1-based): chr16:89,282,377, A>G on the plus strand (T>C on the coding strand, the complement: ANKRD11 is on the minus strand). VCF-style: chr16-89282377-A-G. GRCh37 (hg19) VCF-style: chr16-89348785-A-G.
Other names: c.4165T>C, p.Ser1389Pro (NM_001256182.2, NM_001256183.2); short protein forms S1389P.
Identifiers: ClinVar variation 4689966 (VCV004689966.1).